The following is an entry in ClinVar:

NM_000077.5(CDKN2A):c.360G>T (p.Glu120Asp)

Gene: CDKN2A (cyclin dependent kinase inhibitor 2A; minus strand). Cytogenetic location: 9p21.3.
Variant type: single nucleotide variant.
Coding change: c.360G>T on transcript NM_000077.5; coding-DNA position 360, G replaced by T.
Protein change: p.Glu120Asp; replaces glutamic acid 120 with aspartic acid.
Molecular consequence: missense variant (on NM_000077.6). On other transcripts: 3 prime UTR variant (2).
Genome position (GRCh38, 1-based): chr9:21,970,999, C>A on the plus strand (G>T on the coding strand, the complement: CDKN2A is on the minus strand). VCF-style: chr9-21970999-C-A. GRCh37 (hg19) VCF-style: chr9-21970998-C-A.
Other names: c.360G>T, p.Glu120Asp (NM_000077.6, NM_001195132.2); c.207G>T, p.Glu69Asp (NM_001363763.2); c.*4G>T (NM_058195.4); c.*283G>T (NM_058197.5); short protein forms E69D, E120D.
Identifiers: ClinVar variation 823988 (VCV000823988.12), dbSNP rs757308315, ClinGen allele CA5012174.

ClinVar aggregate classification (germline): Uncertain significance. Review status: criteria provided, multiple submitters, no conflicts (2 of 4 stars). 3 submissions from 3 submitters: Uncertain significance (3). Last evaluated 2026-01-14.

Conditions:
Hereditary cancer-predisposing syndrome. Also called: Neoplastic Syndromes, Hereditary; Tumor predisposition; Hereditary Cancer Syndrome; Hereditary neoplastic syndrome. Identifiers: Orphanet 140162, MedGen C0027672, MeSH D009386, MONDO:0015356.
Familial melanoma. Also called: Hereditary melanoma; Hereditary cutaneous melanoma. Identifiers: Orphanet 618, MedGen C1512419, MONDO:0018961.

Allele frequency attached by ClinVar (database versions not stated): ExAC 0.00001; gnomAD exomes 0.00001.

Submissions (3):

Labcorp Genetics (formerly Invitae), Labcorp
Classification: Uncertain significance for Familial melanoma. Last evaluated: 2026-01-14. Review status: criteria provided, single submitter. Criteria: Invitae Variant Classification Sherloc (09022015). Collection method: clinical testing. Allele origin: germline.
Comment: This sequence change replaces glutamic acid, which is acidic and polar, with aspartic acid, which is acidic and polar, at codon 120 of the CDKN2A (p16INK4a) protein (p.Glu120Asp). The frequency data for this variant in the population databases is considered unreliable, as metrics indicate poor data quality at this position in the gnomAD database. This variant has not been reported in the literature in individuals affected with CDKN2A (p16INK4a)-related conditions. ClinVar contains an entry for this variant (Variation ID: 823988). An algorithm developed to predict the effect of missense changes on protein structure and function (PolyPhen-2) suggests that this variant is likely to be tolerated. In summary, the available evidence is currently insufficient to determine the role of this variant in disease. Therefore, it has been classified as a Variant of Uncertain Significance.

Ambry Genetics
Classification: Uncertain significance for Hereditary cancer-predisposing syndrome. Last evaluated: 2025-02-18. Review status: criteria provided, single submitter. Criteria: Ambry Variant Classification Scheme 2023. Collection method: clinical testing. Allele origin: germline.
Comment: The p.E120D variant (also known as c.360G>T), located in coding exon 2 of the CDKN2A gene, results from a G to T substitution at nucleotide position 360. The glutamic acid at codon 120 is replaced by aspartic acid, an amino acid with highly similar properties. This amino acid position is well conserved in available vertebrate species. In addition, the in silico prediction for this alteration is inconclusive. Since supporting evidence is limited at this time, the clinical significance of this alteration remains unclear.

Quest Diagnostics Nichols Institute San Juan Capistrano
Classification: Uncertain significance. Last evaluated: 2024-09-25. Review status: criteria provided, single submitter. Criteria: Quest Diagnostics criteria. Collection method: clinical testing. Allele origin: unknown.
Comment: The c.360G>T (p.Glu120Asp) variant in the p16(INK4A) (NM_000077.4) transcript of the CDKN2A gene has been reported in an individual with acute myeloid leukemia (PMID: 37586297 (2023)). This is a non-coding variant, c.*4G>T, in the p14(ARF) (NM_058195.3) transcript of the CDKN2A gene. To the best of our knowledge, the p14(ARF) c.*4G>T variant has not been reported in the literature. The frequency of either variant in the general population, 0.0000082 (2/242444 chromosomes (Genome Aggregation Database)), is uninformative in the assessment of its pathogenicity. Analysis of the p16 p.Glu120Asp variant using bioinformatics tools for the prediction of the effect of amino acid changes on protein structure and function yielded conflicting predictions that this variant is benign or damaging. Based on the available information, we are unable to determine the clinical significance of this variant.

Literature cited by the submitters: PubMed 37586297 (cited by Quest Diagnostics Nichols Institute San Juan Capistrano).